The following is an entry in ClinVar:

ClinVar aggregate classification (germline): Uncertain significance (1 of 4 stars; one submission).

Conditions:
Cardiovascular phenotype. Identifiers: MedGen CN230736.

Submission:

Ambry Genetics
Classification: Uncertain significance for Cardiovascular phenotype. Last evaluated: 2025-02-23. Review status: criteria provided, single submitter. Criteria: Ambry Variant Classification Scheme 2023. Collection method: clinical testing. Allele origin: germline.
Comment: The p.H45D variant (also known as c.133C>G), located in coding exon 1 of the LCAT gene, results from a C to G substitution at nucleotide position 133. The histidine at codon 45 is replaced by aspartic acid, an amino acid with similar properties. This amino acid position is conserved. In addition, the in silico prediction for this alteration is inconclusive. Based on the available evidence, the clinical significance of this variant remains unclear.

NM_000229.2(LCAT):c.133C>G (p.His45Asp)

Genes: LCAT (lecithin-cholesterol acyltransferase; minus strand), SLC12A4 (solute carrier family 12 member 4; minus strand). Cytogenetic location: 16q22.1.
Variant type: single nucleotide variant.
Coding change: c.133C>G on transcript NM_000229.2 (MANE Select); coding-DNA position 133, C replaced by G.
Protein change: p.His45Asp; replaces histidine 45 with aspartic acid.
Molecular consequence: missense variant. On other transcripts: 3 prime UTR variant (5).
Genome position (GRCh38, 1-based): chr16:67,943,969, G>C on the plus strand (C>G on the coding strand, the complement: LCAT is on the minus strand). VCF-style: chr16-67943969-G-C. GRCh37 (hg19) VCF-style: chr16-67977872-G-C.
Other names: c.*871C>G (NM_001145961.2, NM_001145962.1, NM_001145963.2 and 2 more transcripts); short protein forms H45D.
Identifiers: ClinVar variation 3866619 (VCV003866619.1).
Genomic context (GRCh38, chr16:67,943,969, plus strand): 5'-GGTCTGGCGTGGTGCATCAGGGGCCTGGTGGGGGCTTACCGAGGATGACGGGCCGTGTGT[G>C]GTTACTGAGCTCAGCCTTGGGCGTGGTGTGCGGGGGGAAGAGCACATTGAGGAGCCAGAA-3'
Protein context (NP_000220.1, residues 35-55): HTTPKAELSN[His45Asp]TRPVILVPGC